The following is an entry in ClinVar:

ClinVar aggregate classification (germline): Uncertain significance (1 of 4 stars; one submission).

Submission:

Labcorp Genetics (formerly Invitae), Labcorp
Classification: Uncertain significance. Last evaluated: 2024-10-16. Review status: criteria provided, single submitter. Criteria: Invitae Variant Classification Sherloc (09022015). Collection method: clinical testing. Allele origin: germline.
Comment: This sequence change replaces proline, which is neutral and non-polar, with threonine, which is neutral and polar, at codon 14 of the NDUFB10 protein (p.Pro14Thr). This variant is not present in population databases (gnomAD no frequency). This variant has not been reported in the literature in individuals affected with NDUFB10-related conditions. An algorithm developed to predict the effect of missense changes on protein structure and function (PolyPhen-2) suggests that this variant is likely to be tolerated. In summary, the available evidence is currently insufficient to determine the role of this variant in disease. Therefore, it has been classified as a Variant of Uncertain Significance.

NM_004548.3(NDUFB10):c.40C>A (p.Pro14Thr)

Gene: NDUFB10 (NADH:ubiquinone oxidoreductase subunit B10; plus strand). Cytogenetic location: 16p13.3.
Variant type: single nucleotide variant.
Coding change: c.40C>A on transcript NM_004548.3 (MANE Select); coding-DNA position 40, C replaced by A.
Protein change: p.Pro14Thr; replaces proline 14 with threonine.
Molecular consequence: missense variant.
Genome position (GRCh38, 1-based): chr16:1,959,664, C>A. VCF-style: chr16-1959664-C-A. GRCh37 (hg19) VCF-style: chr16-2009665-C-A.
Other names: short protein forms P14T.
Identifiers: ClinVar variation 2761615 (VCV002761615.3), dbSNP rs2083240640, ClinGen allele CA394261731.